The following is an entry in ClinVar:

NM_177972.3(TUB):c.1247A>G (p.Asn416Ser)

Genes: RIC3 (RIC3 acetylcholine receptor chaperone; minus strand), TUB (TUB bipartite transcription factor; plus strand). Cytogenetic location: 11p15.4.
Variant type: single nucleotide variant.
Coding change: c.1247A>G on transcript NM_177972.3 (MANE Select); coding-DNA position 1247, A replaced by G.
Protein change: p.Asn416Ser; replaces asparagine 416 with serine.
Molecular consequence: missense variant.
Genome position (GRCh38, 1-based): chr11:8,100,857, A>G. VCF-style: chr11-8100857-A-G. GRCh37 (hg19) VCF-style: chr11-8122404-A-G.
Other names: c.1412A>G (NM_003320.4); c.1412A>G, p.Asn471Ser (NM_003320.5); short protein forms N416S, N471S.
Identifiers: ClinVar variation 1908956 (VCV001908956.7), dbSNP rs1346830818, ClinGen allele CA379571778.
Genomic context (GRCh38, chr11:8,100,857, plus strand): 5'-GCCTGGCTCAGGTGAGGCTGCCCTCCCAGGAGCATGAGACACTGCTAGCACGCTGGCAGA[A>G]TAAGAACACGGAGAGTATCATCGAGCTGCAAAACAAGACACCTGTCTGGAATGATGACAC-3'
Protein context (NP_813977.1, residues 406-426): EHETLLARWQ[Asn416Ser]KNTESIIELQ

ClinVar aggregate classification (germline): Uncertain significance. Review status: criteria provided, multiple submitters, no conflicts (2 of 4 stars). 2 submissions from 2 submitters: Uncertain significance (2). Last evaluated 2025-10-29.

Conditions:
TUB-related disorder. Also called: TUB-related condition.

Allele frequency attached by ClinVar (database versions not stated): gnomAD exomes below 0.00001; gnomAD 0.00001; TOPMed 0.00001.
gnomAD v4.1: 5 of 1,614,104 alleles (0.00031%); highest among the groups gnomAD compares: Non-Finnish European, 0.00042%; no homozygotes.

Submissions (2):

PreventionGenetics, part of Exact Sciences
Classification: Uncertain significance for TUB-related condition. Last evaluated: 2025-10-29. Review status: criteria provided, single submitter. Criteria: ACMG Guidelines, 2015. Collection method: clinical testing. Allele origin: germline.
Comment: The TUB c.1412A>G variant is predicted to result in the amino acid substitution p.Asn471Ser. To our knowledge, this variant has not been reported in the literature or in a large population database (gnomAD), indicating this variant is rare. At this time, the clinical significance of this variant is uncertain due to the absence of conclusive functional and genetic evidence.

Labcorp Genetics (formerly Invitae), Labcorp
Classification: Uncertain significance. Last evaluated: 2022-08-20. Review status: criteria provided, single submitter. Criteria: Invitae Variant Classification Sherloc (09022015). Collection method: clinical testing. Allele origin: germline.
Comment: In summary, the available evidence is currently insufficient to determine the role of this variant in disease. Therefore, it has been classified as a Variant of Uncertain Significance. Algorithms developed to predict the effect of missense changes on protein structure and function output the following: SIFT: "Tolerated"; PolyPhen-2: "Benign"; Align-GVGD: "Class C0". The serine amino acid residue is found in multiple mammalian species, which suggests that this missense change does not adversely affect protein function. This variant has not been reported in the literature in individuals affected with TUB-related conditions. This variant is not present in population databases (gnomAD no frequency). This sequence change replaces asparagine, which is neutral and polar, with serine, which is neutral and polar, at codon 471 of the TUB protein (p.Asn471Ser).